The following is an entry in ClinVar:

NM_005591.4(MRE11):c.1671C>G (p.Asp557Glu)

Gene: MRE11 (MRE11 double strand break repair nuclease; minus strand). Cytogenetic location: 11q21.
Variant type: single nucleotide variant.
Coding change: c.1671C>G on transcript NM_005591.4 (MANE Select); coding-DNA position 1671, C replaced by G.
Protein change: p.Asp557Glu; replaces aspartic acid 557 with glutamic acid.
Molecular consequence: missense variant.
Genome position (GRCh38, 1-based): chr11:94,447,331, G>C on the plus strand (C>G on the coding strand, the complement: MRE11 is on the minus strand). VCF-style: chr11-94447331-G-C. GRCh37 (hg19) VCF-style: chr11-94180497-G-C.
Other names: c.1671C>G, p.Asp557Glu (NM_001330347.2, NM_001440460.1, NM_001440461.1 and 10 more transcripts); c.1608C>G, p.Asp536Glu (NM_001440467.1, NM_001440468.1, NM_001440469.1 and 2 more transcripts); c.1596C>G, p.Asp532Glu (NM_001440471.1, NM_001440472.1); c.1590C>G, p.Asp530Glu (NM_001440473.1, NM_001440477.1, NM_001440478.1); c.1533C>G, p.Asp511Glu (NM_001440479.1); c.1326C>G, p.Asp442Glu (NM_001440482.1, NM_001440483.1, NM_001440484.1); c.1203C>G, p.Asp401Glu (NM_001440485.1, NM_001440486.1, NM_001440487.1); short protein forms D442E, D511E, D532E, D401E, D530E, D536E, D557E.
Identifiers: ClinVar variation 4721364 (VCV004721364.1).
Genomic context (GRCh38, chr11:94,447,331, plus strand): 5'-TCTTCGACCTCTTCCTCGGCCTCTTCCTTTGTTGGTTGCTGCTGAGATGCTATCATCAGA[G>C]TCATTAGCCATCTGTTCTGCTAAATCTATACTCATAAGGTCATCAGCACTAAAGGCAGAA-3'
Protein context (NP_005582.1, residues 547-567): SIDLAEQMAN[Asp557Glu]SDDSISAATN

ClinVar aggregate classification (germline): Uncertain significance (1 of 4 stars; one submission).

Conditions:
Ataxia-telangiectasia-like disorder (ATLD). Identifiers: MedGen C1858391, MONDO:0011457.

Submission:

Labcorp Genetics (formerly Invitae), Labcorp
Classification: Uncertain significance for Ataxia-telangiectasia-like disorder. Last evaluated: 2025-06-14. Review status: criteria provided, single submitter. Criteria: Invitae Variant Classification Sherloc (09022015). Collection method: clinical testing. Allele origin: germline.
Comment: This sequence change replaces aspartic acid, which is acidic and polar, with glutamic acid, which is acidic and polar, at codon 557 of the MRE11 protein (p.Asp557Glu). This variant is not present in population databases (gnomAD no frequency). This variant has not been reported in the literature in individuals affected with MRE11-related conditions. An algorithm developed to predict the effect of missense changes on protein structure and function (PolyPhen-2) suggests that this variant is likely to be tolerated. In summary, the available evidence is currently insufficient to determine the role of this variant in disease. Therefore, it has been classified as a Variant of Uncertain Significance.